The following is an entry in ClinVar:

NM_006187.4(OAS3):c.2795G>A (p.Arg932Gln)

Gene: OAS3 (2'-5'-oligoadenylate synthetase 3; plus strand). Cytogenetic location: 12q24.13.
Variant type: single nucleotide variant.
Coding change: c.2795G>A on transcript NM_006187.4 (MANE Select); coding-DNA position 2795, G replaced by A.
Protein change: p.Arg932Gln; replaces arginine 932 with glutamine.
Molecular consequence: missense variant.
Genome position (GRCh38, 1-based): chr12:112,967,523, G>A. VCF-style: chr12-112967523-G-A. GRCh37 (hg19) VCF-style: chr12-113405328-G-A.
Other names: c.2642G>A, p.Arg881Gln (NM_001410984.1); short protein forms R881Q, R932Q.
Identifiers: ClinVar variation 3387883 (VCV003387883.14).

ClinVar aggregate classification (germline): Likely benign (1 of 4 stars; one submission).

Submission:

CeGaT Center for Human Genetics Tuebingen
Classification: Likely benign. Last evaluated: 2024-09-01. Review status: criteria provided, single submitter. Criteria: CeGaT Center For Human Genetics Tuebingen Variant Classification Criteria Version 2. Collection method: clinical testing. Allele origin: germline. Affected: yes. Observed: 3 variant alleles.
Comment: OAS3: BP4, BS2